The following is an entry in ClinVar:

NM_147127.5(EVC2):c.3058-1G>T

Gene: EVC2 (EvC ciliary complex subunit 2; minus strand). Cytogenetic location: 4p16.2.
Variant type: single nucleotide variant.
Coding change: c.3058-1G>T on transcript NM_147127.5 (MANE Select); the canonical splice acceptor site of the intron before coding-DNA position 3058, G replaced by T.
Molecular consequence: splice acceptor variant.
Genome position (GRCh38, 1-based): chr4:5,576,455, C>A on the plus strand (G>T on the coding strand, the complement: EVC2 is on the minus strand). VCF-style: chr4-5576455-C-A. GRCh37 (hg19) VCF-style: chr4-5578182-C-A.
Other names: c.2818-1G>T (NM_001166136.2).
Identifiers: ClinVar variation 2953755 (VCV002953755.4), dbSNP rs1722942071, ClinGen allele CA356152883.
Genomic context (GRCh38, chr4:5,576,455, plus strand): 5'-CTGGGCTGCCTCCTGCTGCACCAGCTGGTCCTCCAGCTTCCTCTCCAACTCCTGGAGCTC[C>A]TACACAAGGAAGGGGCAGAGGGTAAGCACCACTGCACAAGGCGGGTGGGGTGGAGGACAA-3'

ClinVar aggregate classification (germline): Likely pathogenic (1 of 4 stars; one submission).

Conditions:
Ellis-van Creveld syndrome (EVC). Also called: EVC-Related Ellis-van Creveld Syndrome; EVC2-Related Ellis-van Creveld Syndrome; MESOECTODERMAL DYSPLASIA; Chondroectodermal dysplasia. Identifiers: Orphanet 289, MedGen C0013903, MONDO:0009162, OMIM 225500.
Curry-Hall syndrome (WAD). Also called: WEYERS ACRODENTAL DYSOSTOSIS. Identifiers: Orphanet 952, MedGen C0457013, MONDO:0008673, OMIM 193530.

Submissions (2):

Labcorp Genetics (formerly Invitae), Labcorp
Classification: Likely pathogenic for Curry-Hall syndrome; Ellis-van Creveld syndrome. Last evaluated: 2023-11-10. Review status: criteria provided, single submitter. Criteria: Invitae Variant Classification Sherloc (09022015). Collection method: clinical testing. Allele origin: germline.
Comment: This sequence change affects an acceptor splice site in intron 17 of the EVC2 gene. It is expected to disrupt RNA splicing. Variants that disrupt the donor or acceptor splice site typically lead to a loss of protein function (PMID: 16199547), and loss-of-function variants in EVC2 are known to be pathogenic (PMID: 17024374, 19810119, 19876929). This variant is not present in population databases (gnomAD no frequency). This variant has not been reported in the literature in individuals affected with EVC2-related conditions. Algorithms developed to predict the effect of sequence changes on RNA splicing suggest that this variant may disrupt the consensus splice site. In summary, the currently available evidence indicates that the variant is pathogenic, but additional data are needed to prove that conclusively. Therefore, this variant has been classified as Likely Pathogenic.

Dr. Peter K. Rogan Lab, Western University
No classification provided (evidence only). Condition: Papillary renal cell carcinoma type 1. Review status: no classification provided. Collection method: in vitro. Allele origin: not applicable. Functional consequence: skipped exon. Not counted in ClinVar's aggregate classification.

Literature cited by the submitters: PubMed 16199547 (cited by Labcorp Genetics (formerly Invitae), Labcorp); PubMed 17024374 (cited by Labcorp Genetics (formerly Invitae), Labcorp); PubMed 19810119 (cited by Labcorp Genetics (formerly Invitae), Labcorp); PubMed 19876929 (cited by Labcorp Genetics (formerly Invitae), Labcorp).